The following is an entry in ClinVar:

NM_002485.5(NBN):c.172-2A>T

Gene: NBN (nibrin; minus strand). Cytogenetic location: 8q21.3.
Variant type: single nucleotide variant.
Coding change: c.172-2A>T on transcript NM_002485.5 (MANE Select); the canonical splice acceptor site of the intron before coding-DNA position 172, A replaced by T.
Molecular consequence: splice acceptor variant.
Genome position (GRCh38, 1-based): chr8:89,981,525, T>A on the plus strand (A>T on the coding strand, the complement: NBN is on the minus strand). VCF-style: chr8-89981525-T-A. GRCh37 (hg19) VCF-style: chr8-90993753-T-A.
Other names: c.-75-2A>T (NM_001024688.3).
Identifiers: ClinVar variation 1469813 (VCV001469813.6), dbSNP rs2129916685, ClinGen allele CA371662652.

ClinVar aggregate classification (germline): Likely pathogenic (1 of 4 stars; one submission).

Conditions:
Microcephaly, normal intelligence and immunodeficiency (NBS). Also called: BERLIN BREAKAGE SYNDROME; Immunodeficiency, microcephaly with normal intelligence; Nijmegen breakage syndrome; Microcephaly with normal intelligence immunodeficiency and lymphoreticular malignancies; Nonsyndromal microcephaly autosomal recessive with normal intelligence; Seemanova syndrome 2. Identifiers: Orphanet 647, MedGen C0398791, MONDO:0009623, OMIM 251260.

Submission:

Labcorp Genetics (formerly Invitae), Labcorp
Classification: Likely pathogenic for Microcephaly, normal intelligence and immunodeficiency. Last evaluated: 2025-08-04. Review status: criteria provided, single submitter. Criteria: Invitae Variant Classification Sherloc (09022015). Collection method: clinical testing. Allele origin: germline.
Comment: This sequence change affects an acceptor splice site in intron 2 of the NBN gene. It is expected to disrupt RNA splicing. Variants that disrupt the donor or acceptor splice site typically lead to a loss of protein function (PMID: 16199547), and loss-of-function variants in NBN are known to be pathogenic (PMID: 9590180, 16415040). This variant is not present in population databases (gnomAD no frequency). This variant has not been reported in the literature in individuals affected with NBN-related conditions. ClinVar contains an entry for this variant (Variation ID: 1469813). Algorithms developed to predict the effect of sequence changes on RNA splicing suggest that this variant may disrupt the consensus splice site. In summary, the currently available evidence indicates that the variant is pathogenic, but additional data are needed to prove that conclusively. Therefore, this variant has been classified as Likely Pathogenic.

Literature cited by the submitters: PubMed 16199547; PubMed 9590180; PubMed 16415040.